The following is an entry in ClinVar:

ClinVar aggregate classification (germline): Pathogenic (1 of 4 stars; one submission).

Conditions:
RPE65-related recessive retinopathy. Also called: Recessive RPE65 retinopathy. Identifiers: MedGen CN305526, MONDO:0100368.

Submission:

Myriad Genetics, Inc.
Classification: Pathogenic for RPE65-related recessive retinopathy. Last evaluated: 2026-04-24. Review status: criteria provided, single submitter. Criteria: Myriad Autosomal Dominant, Autosomal Recessive and X-Linked Classification Criteria (2023). Collection method: clinical testing. Allele origin: unknown.
Comment: NM_000329.2(RPE65):c.1555G>T(E519*) is a missense variant classified as pathogenic in the context of inherited retinal dystrophy, RPE65-related. E519* has been observed in cases with relevant disease (PMID: 35129589). Relevant functional assessments of this variant are not available in the literature. Internal structural analysis of the variant is supportive of pathogenicity. E519* has not been observed in referenced population frequency databases. In summary, NM_000329.2(RPE65):c.1555G>T(E519*) is a missense variant that has internal structural support for pathogenicity and has been observed more frequently in cases with the relevant disease than in healthy populations. Please note: this variant was assessed in the context of healthy population screening.

Literature cited by the submitters: PubMed 35129589.

NM_000329.3(RPE65):c.1555G>T (p.Glu519Ter)

Gene: RPE65 (retinoid isomerohydrolase RPE65; minus strand). Cytogenetic location: 1p31.3.
Variant type: single nucleotide variant.
Coding change: c.1555G>T on transcript NM_000329.3 (MANE Select); coding-DNA position 1555, G replaced by T.
Protein change: p.Glu519Ter; replaces glutamic acid 519 with a stop codon.
Molecular consequence: nonsense.
Genome position (GRCh38, 1-based): chr1:68,429,823, C>A on the plus strand (G>T on the coding strand, the complement: RPE65 is on the minus strand). VCF-style: chr1-68429823-C-A. GRCh37 (hg19) VCF-style: chr1-68895506-C-A.
Other names: c.1447G>T, p.Glu483Ter (NM_001406853.1); c.1279G>T, p.Glu427Ter (NM_001406856.1, NM_001406857.1); short protein forms E519*, E427*, E483*.
Identifiers: ClinVar variation 5004616 (VCV005004616.1).